The following is an entry in ClinVar:

NM_006469.5(IVNS1ABP):c.532-5T>A

Gene: IVNS1ABP (influenza virus NS1A binding protein; minus strand). Cytogenetic location: 1q25.3.
Variant type: single nucleotide variant.
Coding change: c.532-5T>A on transcript NM_006469.5 (MANE Select); 5 bases into the intron before coding-DNA position 532, T replaced by A.
Molecular consequence: intron variant.
Genome position (GRCh38, 1-based): chr1:185,307,144, A>T on the plus strand (T>A on the coding strand, the complement: IVNS1ABP is on the minus strand). VCF-style: chr1-185307144-A-T. GRCh37 (hg19) VCF-style: chr1-185276276-A-T.
Identifiers: ClinVar variation 3350984 (VCV003350984.1).

ClinVar aggregate classification (germline): Likely benign (0 of 4 stars; one submission).

Conditions:
IVNS1ABP-related disorder. Also called: IVNS1ABP-related condition.

gnomAD v4.1: 28 of 1,612,866 alleles (0.0017%); highest among the groups gnomAD compares: Admixed American, 0.0067%; no homozygotes.

Submission:

PreventionGenetics, part of Exact Sciences
Classification: Likely benign for IVNS1ABP-related condition. Last evaluated: 2024-07-19. Review status: no assertion criteria provided. Collection method: clinical testing. Allele origin: germline.
Comment: This variant is classified as likely benign based on ACMG/AMP sequence variant interpretation guidelines (Richards et al. 2015 PMID: 25741868, with internal and published modifications).